The following is an entry in ClinVar:

ClinVar aggregate classification (germline): Benign/Likely benign. Review status: criteria provided, multiple submitters, no conflicts (2 of 4 stars). 3 submissions from 3 submitters: Benign (1); Likely benign (1). 1 of the submissions does not count toward it. Last evaluated 2025-06-04.

Conditions:
Inborn genetic diseases. Identifiers: MedGen C0950123, MeSH D030342.
NHS-related disorder. Also called: NHS-related condition.
Nance-Horan syndrome (NHS). Identifiers: Orphanet 627, MedGen C0796085, MONDO:0010545, OMIM 302350.

Allele frequency attached by ClinVar (database versions not stated): gnomAD exomes 0.00006; ExAC 0.00023; TOPMed 0.00047; gnomAD 0.00048; 1000 Genomes Project 30x 0.00062; ESP Exome Variant Server 0.00076; 1000 Genomes Project 0.00079.
gnomAD v4.1: 116 of 1,209,597 alleles (0.0096%); highest among the groups gnomAD compares: African/African-American, 0.17%; no homozygotes.

Submissions (3):

Labcorp Genetics (formerly Invitae), Labcorp
Classification: Benign for Nance-Horan syndrome. Last evaluated: 2025-06-04. Review status: criteria provided, single submitter. Criteria: Invitae Variant Classification Sherloc (09022015). Collection method: clinical testing. Allele origin: germline.

Ambry Genetics
Classification: Likely benign for Inborn genetic diseases. Last evaluated: 2017-12-04. Review status: criteria provided, single submitter. Criteria: Ambry Variant Classification Scheme 2023. Collection method: clinical testing. Allele origin: germline.

PreventionGenetics, part of Exact Sciences
Classification: Likely benign for NHS-related condition. Last evaluated: 2024-01-05. Review status: no assertion criteria provided. Collection method: clinical testing. Allele origin: germline. Not counted in ClinVar's aggregate classification.
Comment: This variant is classified as likely benign based on ACMG/AMP sequence variant interpretation guidelines (Richards et al. 2015 PMID: 25741868, with internal and published modifications).

NM_001291867.2(NHS):c.1806G>A (p.Thr602=)

Gene: NHS (NHS actin remodeling regulator; plus strand). Cytogenetic location: Xp22.13.
Variant type: single nucleotide variant.
Coding change: c.1806G>A on transcript NM_001291867.2 (MANE Select); coding-DNA position 1806, G replaced by A.
Protein change: p.Thr602=; no amino-acid change (threonine 602 retained).
Molecular consequence: synonymous variant.
Genome position (GRCh38, 1-based): chrX:17,725,912, G>A. VCF-style: chrX-17725912-G-A. GRCh37 (hg19) VCF-style: chrX-17744032-G-A.
Other names: c.1743G>A (NM_198270.3); c.1275G>A, p.Thr425= (NM_001136024.4); c.1212G>A, p.Thr404= (NM_001291868.2); c.1743G>A, p.Thr581= (NM_198270.4).
Identifiers: ClinVar variation 1779243 (VCV001779243.7), dbSNP rs148872135, ClinGen allele CA10358661.
Genomic context (GRCh38, chrX:17,725,912, plus strand): 5'-ACGTCTGTCCCGAATGGCTGCTGACTCTGGCAGCTGTGACATCTCCTCCAACTCAGACAC[G>A]TTTGGGAGCCCCATCCACTGCATCTCCACGGCTGGCGTCCTCCTTAGCAGCCACATGGAC-3'
Protein context (NP_001278796.1, residues 592-612): GSCDISSNSD[Thr602=]FGSPIHCIST